The following is an entry in ClinVar:

ClinVar aggregate classification (germline): Pathogenic (1 of 4 stars; one submission).

Conditions:
Bosch-Boonstra-Schaaf optic atrophy syndrome (BBSOAS). Also called: NR2F1-Related Neurodevelopmental Disorder. Identifiers: Orphanet 401777, MedGen C3810363, MONDO:0014320, OMIM 615722.

Submission:

Molecular Genetics Laboratory, Motol Hospital
Classification: Pathogenic for Bosch-Boonstra-Schaaf optic atrophy syndrome. Last evaluated: 2025-09-15. Review status: criteria provided, single submitter. Criteria: ACMG Guidelines, 2015. Collection method: clinical testing. Allele origin: de novo. Affected: yes. Observed: 1 variant allele.
Comment: Not present in gnomAD (v4.1.0), dbSNP or ClinVar (PM2). Rare truncating variants affecting the NR2F1 gene are associated with autosomal dominant "Bosch-Boonstra-Schaaf optic atrophy syndrome" (BBSOAS, MIM:615722; PMID:32712214;PMID:32275123;PMID:26986877;PMID:24462372;PMID:31729143) (PVS1). To conclude, the variant is classified as pathogenic (ACMG PVS1, PM2, PS2).

Literature cited by the submitters: PubMed 32712214; PubMed 32275123; PubMed 26986877; PubMed 24462372; PubMed 31729143.

NM_005654.6(NR2F1):c.415C>T (p.Gln139Ter)

Genes: NR2F1 (nuclear receptor subfamily 2 group F member 1; plus strand), NR2F1-AS1 (NR2F1 regulatory antisense RNA 1; minus strand). Cytogenetic location: 5q15.
Variant type: single nucleotide variant.
Coding change: c.415C>T on transcript NM_005654.6 (MANE Select); coding-DNA position 415, C replaced by T.
Protein change: p.Gln139Ter; replaces glutamine 139 with a stop codon.
Molecular consequence: nonsense. On other transcripts: non-coding transcript variant (8).
Genome position (GRCh38, 1-based): chr5:93,585,438, C>T. VCF-style: chr5-93585438-C-T. GRCh37 (hg19) VCF-style: chr5-92921144-C-T.
Other names: short protein forms Q139*.
Identifiers: ClinVar variation 4086074 (VCV004086074.1).